The following is an entry in ClinVar:

ClinVar aggregate classification (germline): Uncertain significance (1 of 4 stars; one submission).

Allele frequency attached by ClinVar (database versions not stated): gnomAD exomes below 0.00001 and 0.00001; TOPMed below 0.00001; ExAC 0.00002.
gnomAD v4.1: 6 of 1,614,188 alleles (0.00037%); highest among the groups gnomAD compares: East Asian, 0.013%; no homozygotes.

Submission:

Labcorp Genetics (formerly Invitae), Labcorp
Classification: Uncertain significance. Last evaluated: 2022-06-05. Review status: criteria provided, single submitter. Criteria: Invitae Variant Classification Sherloc (09022015). Collection method: clinical testing. Allele origin: germline.
Comment: In summary, the available evidence is currently insufficient to determine the role of this variant in disease. Therefore, it has been classified as a Variant of Uncertain Significance. This sequence change replaces threonine, which is neutral and polar, with lysine, which is basic and polar, at codon 44 of the MME protein (p.Thr44Lys). This variant is present in population databases (rs1062488, gnomAD 0.01%). This variant has not been reported in the literature in individuals affected with MME-related conditions. ClinVar contains an entry for this variant (Variation ID: 1482637). Algorithms developed to predict the effect of missense changes on protein structure and function are either unavailable or do not agree on the potential impact of this missense change (SIFT: "Tolerated"; PolyPhen-2: "Possibly Damaging"; Align-GVGD: "Class C0").

NM_007289.4(MME):c.131C>A (p.Thr44Lys)

Gene: MME (membrane metalloendopeptidase; plus strand). Cytogenetic location: 3q25.2.
Variant type: single nucleotide variant.
Coding change: c.131C>A on transcript NM_007289.4 (MANE Select); coding-DNA position 131, C replaced by A.
Protein change: p.Thr44Lys; replaces threonine 44 with lysine.
Molecular consequence: missense variant.
Genome position (GRCh38, 1-based): chr3:155,084,298, C>A. VCF-style: chr3-155084298-C-A. GRCh37 (hg19) VCF-style: chr3-154802087-C-A.
Other names: c.131C>A, p.Thr44Lys (NM_000902.5, NM_001354642.2, NM_001354643.1 and 3 more transcripts); short protein forms T44K.
Identifiers: ClinVar variation 1482637 (VCV001482637.6), dbSNP rs1062488, ClinGen allele CA2675015.